The following is an entry in ClinVar:

NM_001253384.2(RPL15):c.431G>A (p.Arg144Gln)

Genes: NKIRAS1 (NFKB inhibitor interacting Ras like 1; minus strand), RPL15 (ribosomal protein L15; plus strand). Cytogenetic location: 3p24.2.
Variant type: single nucleotide variant.
Coding change: c.431G>A on transcript NM_001253384.2; coding-DNA position 431, G replaced by A.
Protein change: p.Arg144Gln; replaces arginine 144 with glutamine.
Molecular consequence: missense variant. On other transcripts: intron variant (1).
Genome position (GRCh38, 1-based): chr3:23,921,668, G>A. VCF-style: chr3-23921668-G-A. GRCh37 (hg19) VCF-style: chr3-23963159-G-A.
Other names: NC_000003.11:g.23963159G>A; c.-139-10218C>T (NM_001377380.1); short protein forms R144Q.
Identifiers: ClinVar variation 3043130 (VCV003043130.4), dbSNP rs193020435, ClinGen allele CA2286585.

ClinVar aggregate classification (germline): Likely benign. Review status: criteria provided, single submitter (1 of 4 stars). 2 submissions from 2 submitters: Likely benign (1). 1 of the submissions does not count toward it. Last evaluated 2023-06-28.

Conditions:
RPL15-related disorder. Also called: RPL15-related condition.

Allele frequency attached by ClinVar (database versions not stated): 1000 Genomes Project 0.00160; 1000 Genomes Project 30x 0.00172; gnomAD 0.00194; TOPMed 0.00232; ExAC 0.00051.
gnomAD v4.1: 414 of 665,110 alleles (0.062%); highest among the groups gnomAD compares: African/African-American, 0.67%; 1 homozygote.

Submissions (3):

Blueprint Genetics
Classification: Likely benign. Last evaluated: 2023-06-28. Review status: criteria provided, single submitter. Criteria: ACMG Guidelines, 2015. Collection method: clinical testing. Allele origin: germline.

PreventionGenetics, part of Exact Sciences
Classification: Likely benign for RPL15-related condition. Last evaluated: 2020-02-28. Review status: no assertion criteria provided. Collection method: clinical testing. Allele origin: germline. Not counted in ClinVar's aggregate classification.
Comment: This variant is classified as likely benign based on ACMG/AMP sequence variant interpretation guidelines (Richards et al. 2015 PMID: 25741868, with internal and published modifications).

Dr. Peter K. Rogan Lab, Western University
No classification provided (evidence only). Condition: Cervical cancer. Review status: no classification provided. Collection method: in vitro. Allele origin: not applicable. Functional consequence: retained intron. Not counted in ClinVar's aggregate classification.